The following is an entry in ClinVar:

NM_002180.3(IGHMBP2):c.2312G>T (p.Ser771Ile)

Gene: IGHMBP2 (immunoglobulin mu DNA binding protein 2; plus strand). Cytogenetic location: 11q13.3.
Variant type: single nucleotide variant.
Coding change: c.2312G>T on transcript NM_002180.3 (MANE Select); coding-DNA position 2312, G replaced by T.
Protein change: p.Ser771Ile; replaces serine 771 with isoleucine.
Molecular consequence: missense variant.
Genome position (GRCh38, 1-based): chr11:68,936,792, G>T. VCF-style: chr11-68936792-G-T. GRCh37 (hg19) VCF-style: chr11-68704260-G-T.
Other names: short protein forms S771I.
Identifiers: ClinVar variation 954878 (VCV000954878.7), dbSNP rs1317637789, ClinGen allele CA381653272.

ClinVar aggregate classification (germline): Uncertain significance (1 of 4 stars; one submission).

Conditions:
Autosomal recessive distal spinal muscular atrophy 1. Also called: Spinal muscular atrophy with respiratory distress 1; HMN VI; NEURONOPATHY, SEVERE INFANTILE AXONAL, WITH RESPIRATORY FAILURE; NEURONOPATHY, DISTAL HEREDITARY MOTOR, HARDING TYPE VI; NEUROPATHY, DISTAL HEREDITARY MOTOR, AUTOSOMAL RECESSIVE 1; SEVERE INFANTILE AXONAL NEUROPATHY WITH RESPIRATORY FAILURE. Identifiers: Orphanet 98920, MedGen C1858517, MONDO:0011436, OMIM 604320.
Charcot-Marie-Tooth disease axonal type 2S. Also called: CHARCOT-MARIE-TOOTH NEUROPATHY, TYPE 2S; CHARCOT-MARIE-TOOTH DISEASE, AXONAL, AUTOSOMAL RECESSIVE, TYPE 2S. Identifiers: Orphanet 443073, MedGen C4015349, MONDO:0014511, OMIM 616155.

Allele frequency attached by ClinVar (database versions not stated): gnomAD exomes below 0.00001; TOPMed below 0.00001; gnomAD 0.00001.
gnomAD v4.1: 2 of 1,613,964 alleles (0.00012%); highest among the groups gnomAD compares: Non-Finnish European, 0.00017%; no homozygotes.

Submission:

Labcorp Genetics (formerly Invitae), Labcorp
Classification: Uncertain significance for Autosomal recessive distal spinal muscular atrophy 1; Charcot-Marie-Tooth disease axonal type 2S. Last evaluated: 2021-08-31. Review status: criteria provided, single submitter. Criteria: Invitae Variant Classification Sherloc (09022015). Collection method: clinical testing. Allele origin: germline.
Comment: This sequence change replaces serine with isoleucine at codon 771 of the IGHMBP2 protein (p.Ser771Ile). The serine residue is moderately conserved and there is a large physicochemical difference between serine and isoleucine. This variant is not present in population databases (ExAC no frequency). This variant has not been reported in the literature in individuals affected with IGHMBP2-related conditions. Algorithms developed to predict the effect of missense changes on protein structure and function are either unavailable or do not agree on the potential impact of this missense change (SIFT: "Deleterious"; PolyPhen-2: "Probably Damaging"; Align-GVGD: "Class C0"). In summary, the available evidence is currently insufficient to determine the role of this variant in disease. Therefore, it has been classified as a Variant of Uncertain Significance.